The following is an entry in ClinVar:

ClinVar aggregate classification (germline): Uncertain significance (1 of 4 stars; one submission).

gnomAD v4.1: 4 of 1,612,400 alleles (0.00025%); highest among the groups gnomAD compares: African/African-American, 0.0027%; no homozygotes.

Submission:

GeneDx
Classification: Uncertain significance. Last evaluated: 2025-03-24. Review status: criteria provided, single submitter. Criteria: GeneDx Variant Classification Process June 2021. Collection method: clinical testing. Allele origin: germline. Affected: yes.
Comment: Not observed at significant frequency in large population cohorts (gnomAD); In silico analysis supports that this missense variant has a deleterious effect on protein structure/function; Has not been previously published as pathogenic or benign to our knowledge

NM_003978.5(PSTPIP1):c.574A>G (p.Arg192Gly)

Gene: PSTPIP1 (proline-serine-threonine phosphatase interacting protein 1; plus strand). Cytogenetic location: 15q24.3.
Variant type: single nucleotide variant.
Coding change: c.574A>G on transcript NM_003978.5 (MANE Select); coding-DNA position 574, A replaced by G.
Protein change: p.Arg192Gly; replaces arginine 192 with glycine.
Molecular consequence: missense variant.
Genome position (GRCh38, 1-based): chr15:77,030,513, A>G. VCF-style: chr15-77030513-A-G. GRCh37 (hg19) VCF-style: chr15-77322854-A-G.
Other names: c.574A>G, p.Arg192Gly (NM_001321135.2, NM_001411086.1); c.547A>G, p.Arg183Gly (NM_001321136.2); c.769A>G, p.Arg257Gly (NM_001321137.1); short protein forms R183G, R192G, R257G.
Identifiers: ClinVar variation 4087836 (VCV004087836.1).